The following is an entry in ClinVar:

NM_016507.4(CDK12):c.4366G>A (p.Gly1456Ser)

Gene: CDK12 (cyclin dependent kinase 12; plus strand). Cytogenetic location: 17q12.
Variant type: single nucleotide variant.
Coding change: c.4366G>A on transcript NM_016507.4 (MANE Select); coding-DNA position 4366, G replaced by A.
Protein change: p.Gly1456Ser; replaces glycine 1456 with serine.
Molecular consequence: missense variant.
Genome position (GRCh38, 1-based): chr17:39,531,209, G>A. VCF-style: chr17-39531209-G-A. GRCh37 (hg19) VCF-style: chr17-37687462-G-A.
Other names: c.4339G>A, p.Gly1447Ser (NM_015083.4); short protein forms G1456S, G1447S.
Identifiers: ClinVar variation 4651398 (VCV004651398.1).
Genomic context (GRCh38, chr17:39,531,209, plus strand): 5'-AAATTGCAAAACTATGGGGAGCTGGGGCCAGGAACCACTGGGGCCAGCAGCTCAGGAGCA[G>A]GCCTTCACTGGGGGGGCCCAACTCAGTCTTCTGCTTATGGAAAACTCTATCGGGGGCCTA-3'
Protein context (NP_057591.2, residues 1446-1466): GTTGASSSGA[Gly1456Ser]LHWGGPTQSS

ClinVar aggregate classification (germline): Uncertain significance (1 of 4 stars; one submission).

gnomAD v4.1: 1 of 1,517,560 alleles (0.000066%); highest among the groups gnomAD compares: Admixed American, 0.0023%; no homozygotes.

Submission:

Ambry Genetics
Classification: Uncertain significance. Last evaluated: 2025-10-23. Review status: criteria provided, single submitter. Criteria: Ambry Variant Classification Scheme 2023. Collection method: clinical testing. Allele origin: germline.
Comment: The p.G1456S variant (also known as c.4366G>A), located in coding exon 14 of the CDK12 gene, results from a G to A substitution at nucleotide position 4366. The glycine at codon 1456 is replaced by serine, an amino acid with similar properties. This amino acid position is conserved. In addition, this alteration is predicted to be tolerated by in silico analysis. Based on the available evidence, the clinical significance of this variant remains unclear.